The following is an entry in ClinVar:

NM_006231.4(POLE):c.6629A>C (p.Lys2210Thr)

Gene: POLE (DNA polymerase epsilon, catalytic subunit; minus strand). Cytogenetic location: 12q24.33.
Variant type: single nucleotide variant.
Coding change: c.6629A>C on transcript NM_006231.4 (MANE Select); coding-DNA position 6629, A replaced by C.
Protein change: p.Lys2210Thr; replaces lysine 2210 with threonine.
Molecular consequence: missense variant.
Genome position (GRCh38, 1-based): chr12:132,625,673, T>G on the plus strand (A>C on the coding strand, the complement: POLE is on the minus strand). VCF-style: chr12-132625673-T-G. GRCh37 (hg19) VCF-style: chr12-133202259-T-G.
Other names: short protein forms K2210T.
Identifiers: ClinVar variation 3422238 (VCV003422238.1).
Genomic context (GRCh38, chr12:132,625,673, plus strand): 5'-GGGCACACGGGCAGGCGGCATGCACGACTCACCAGGTCCTGCAGGGTGAAGGCCATCAGC[T>G]TCTTCTGTAGAACTTCCACCAGCGTCATCTCGATGGCAGAGGAGTCGTAGGGCGCCTGAC-3'
Protein context (NP_006222.2, residues 2200-2220): EMTLVEVLQK[Lys2210Thr]LMAFTLQDLV

ClinVar aggregate classification (germline): Uncertain significance (1 of 4 stars; one submission).

Conditions:
Hereditary cancer-predisposing syndrome. Also called: Neoplastic Syndromes, Hereditary; Tumor predisposition; Hereditary Cancer Syndrome; Hereditary neoplastic syndrome. Identifiers: Orphanet 140162, MedGen C0027672, MeSH D009386, MONDO:0015356.

Submission:

Ambry Genetics
Classification: Uncertain significance for Hereditary cancer-predisposing syndrome. Last evaluated: 2024-12-06. Review status: criteria provided, single submitter. Criteria: Ambry Variant Classification Scheme 2023. Collection method: clinical testing. Allele origin: germline.
Comment: The p.K2210T variant (also known as c.6629A>C), located in coding exon 47 of the POLE gene, results from an A to C substitution at nucleotide position 6629. The lysine at codon 2210 is replaced by threonine, an amino acid with similar properties. This amino acid position is conserved. In addition, the in silico prediction for this alteration is inconclusive. Based on the available evidence, the clinical significance of this variant remains unclear.